The following is an entry in ClinVar:

NM_000051.4(ATM):c.2351C>T (p.Thr784Ile)

Gene: ATM (ATM serine/threonine kinase; plus strand). Cytogenetic location: 11q22.3.
Variant type: single nucleotide variant.
Coding change: c.2351C>T on transcript NM_000051.4 (MANE Select); coding-DNA position 2351, C replaced by T.
Protein change: p.Thr784Ile; replaces threonine 784 with isoleucine.
Molecular consequence: missense variant.
Genome position (GRCh38, 1-based): chr11:108,257,581, C>T. VCF-style: chr11-108257581-C-T. GRCh37 (hg19) VCF-style: chr11-108128308-C-T.
Other names: c.2351C>T, p.Thr784Ile (NM_001351834.2); short protein forms T784I.
Identifiers: ClinVar variation 1331905 (VCV001331905.9), dbSNP rs2135407791, ClinGen allele CA382540278.

ClinVar aggregate classification (germline): Uncertain significance. Review status: criteria provided, multiple submitters, no conflicts (2 of 4 stars). 3 submissions from 3 submitters: Uncertain significance (3). Last evaluated 2025-09-22.

Conditions:
Hereditary cancer-predisposing syndrome. Also called: Hereditary Cancer Syndrome; Hereditary neoplastic syndrome; Neoplastic Syndromes, Hereditary; Tumor predisposition. Identifiers: Orphanet 140162, MedGen C0027672, MeSH D009386, MONDO:0015356.
Ataxia-telangiectasia syndrome (AT). Also called: LOUIS-BAR SYNDROME; Cerebello-oculocutaneous telangiectasia; Immunodeficiency with ataxia telangiectasia; Ataxia-telangiectasia, complementation group D; AT, COMPLEMENTATION GROUP C; ATAXIA-TELANGIECTASIA, COMPLEMENTATION GROUP A. Identifiers: Orphanet 100, MedGen C0004135, MONDO:0008840, OMIM 208900.

Submissions (3):

Ambry Genetics
Classification: Uncertain significance for Hereditary cancer-predisposing syndrome. Last evaluated: 2025-09-22. Review status: criteria provided, single submitter. Criteria: Ambry Variant Classification Scheme 2023. Collection method: clinical testing. Allele origin: germline.
Comment: The p.T784I variant (also known as c.2351C>T), located in coding exon 14 of the ATM gene, results from a C to T substitution at nucleotide position 2351. The threonine at codon 784 is replaced by isoleucine, an amino acid with similar properties. This amino acid position is conserved. In addition, this alteration is predicted to be tolerated by in silico analysis. Based on the available evidence, the clinical significance of this variant remains unclear.

Labcorp Genetics (formerly Invitae), Labcorp
Classification: Uncertain significance for Ataxia-telangiectasia syndrome. Last evaluated: 2022-09-08. Review status: criteria provided, single submitter. Criteria: Invitae Variant Classification Sherloc (09022015). Collection method: clinical testing. Allele origin: germline.
Comment: This sequence change replaces threonine, which is neutral and polar, with isoleucine, which is neutral and non-polar, at codon 784 of the ATM protein (p.Thr784Ile). This variant is not present in population databases (gnomAD no frequency). This variant has not been reported in the literature in individuals affected with ATM-related conditions. ClinVar contains an entry for this variant (Variation ID: 1331905). Advanced modeling of protein sequence and biophysical properties (such as structural, functional, and spatial information, amino acid conservation, physicochemical variation, residue mobility, and thermodynamic stability) performed at Invitae indicates that this missense variant is not expected to disrupt ATM protein function. In summary, the available evidence is currently insufficient to determine the role of this variant in disease. Therefore, it has been classified as a Variant of Uncertain Significance.

Color Diagnostics, LLC DBA Color Health
Classification: Uncertain significance for Hereditary cancer-predisposing syndrome. Last evaluated: 2021-05-10. Review status: criteria provided, single submitter. Criteria: ACMG Guidelines, 2015. Collection method: clinical testing. Allele origin: germline.
Comment: This missense variant replaces threonine with isoleucine at codon 784 of the ATM protein. Computational prediction suggests that this variant may not impact protein structure and function (internally defined REVEL score threshold <= 0.5, PMID: 27666373). To our knowledge, functional studies have not been reported for this variant. This variant has not been reported in individuals affected with hereditary cancer in the literature. This variant has not been identified in the general population by the Genome Aggregation Database (gnomAD). The available evidence is insufficient to determine the role of this variant in disease conclusively. Therefore, this variant is classified as a Variant of Uncertain Significance.